The following is an entry in ClinVar:

NM_001378477.3(NYX):c.1164C>G (p.Asn388Lys)

Gene: NYX (nyctalopin; plus strand). Cytogenetic location: Xp11.4.
Variant type: single nucleotide variant.
Coding change: c.1164C>G on transcript NM_001378477.3 (MANE Select); coding-DNA position 1164, C replaced by G.
Protein change: p.Asn388Lys; replaces asparagine 388 with lysine.
Molecular consequence: missense variant.
Genome position (GRCh38, 1-based): chrX:41,474,632, C>G. VCF-style: chrX-41474632-C-G. GRCh37 (hg19) VCF-style: chrX-41333885-C-G.
Other names: c.1164C>G, p.Asn388Lys (NM_022567.3); short protein forms N388K.
Identifiers: ClinVar variation 2092143 (VCV002092143.4), dbSNP rs1484600008, ClinGen allele CA412992948.

ClinVar aggregate classification (germline): Uncertain significance (1 of 4 stars; one submission).

Allele frequency attached by ClinVar (database versions not stated): gnomAD exomes 0.00001; TOPMed 0.00001.

Submission:

Labcorp Genetics (formerly Invitae), Labcorp
Classification: Uncertain significance. Last evaluated: 2023-08-30. Review status: criteria provided, single submitter. Criteria: Invitae Variant Classification Sherloc (09022015). Collection method: clinical testing. Allele origin: germline.
Comment: In summary, the available evidence is currently insufficient to determine the role of this variant in disease. Therefore, it has been classified as a Variant of Uncertain Significance. An algorithm developed to predict the effect of missense changes on protein structure and function (PolyPhen-2) suggests that this variant is likely to be disruptive. ClinVar contains an entry for this variant (Variation ID: 2092143). This variant has not been reported in the literature in individuals affected with NYX-related conditions. The frequency data for this variant in the population databases is considered unreliable, as metrics indicate poor data quality at this position in the gnomAD database. This sequence change replaces asparagine, which is neutral and polar, with lysine, which is basic and polar, at codon 393 of the NYX protein (p.Asn393Lys).